The following is an entry in ClinVar:

NM_001163809.2(WDR81):c.4576C>G (p.Arg1526Gly)

Gene: WDR81 (WD repeat domain 81; plus strand). Cytogenetic location: 17p13.3.
Variant type: single nucleotide variant.
Coding change: c.4576C>G on transcript NM_001163809.2 (MANE Select); coding-DNA position 4576, C replaced by G.
Protein change: p.Arg1526Gly; replaces arginine 1526 with glycine.
Molecular consequence: missense variant.
Genome position (GRCh38, 1-based): chr17:1,733,613, C>G. VCF-style: chr17-1733613-C-G. GRCh37 (hg19) VCF-style: chr17-1636907-C-G.
Other names: p.Arg1526Gly; c.967C>G, p.Arg323Gly (NM_001163673.2); c.895C>G, p.Arg299Gly (NM_001163811.2); c.1423C>G, p.Arg475Gly (NM_152348.4); c.4576C>G (NM_001163809.1); short protein forms R1526G, R299G, R323G, R475G.
Identifiers: ClinVar variation 1013121 (VCV001013121.39), dbSNP rs145230769, ClinGen allele CA8273603.

ClinVar aggregate classification (germline): Conflicting classifications of pathogenicity. Review status: criteria provided, conflicting classifications (1 of 4 stars). 3 submissions from 3 submitters: Uncertain significance (2); Likely benign (1). Last evaluated 2026-04-01.

Conditions:
Inborn genetic diseases. Identifiers: MedGen C0950123, MeSH D030342.

Allele frequency attached by ClinVar (database versions not stated): TOPMed 0.00007.
gnomAD v4.1: 352 of 1,587,224 alleles (0.022%); highest among the groups gnomAD compares: Non-Finnish European, 0.029%; 1 homozygote.

Submissions (3):

CeGaT Center for Human Genetics Tuebingen
Classification: Likely benign. Last evaluated: 2026-04-01. Review status: criteria provided, single submitter. Criteria: CeGaT Center For Human Genetics Tuebingen Variant Classification Criteria Version 2. Collection method: clinical testing. Allele origin: germline. Affected: yes. Observed: 2 variant alleles.
Comment: WDR81: BP4

Mayo Clinic Laboratories, Mayo Clinic
Classification: Uncertain significance. Last evaluated: 2025-02-22. Review status: criteria provided, single submitter. Criteria: ACMG Guidelines, 2015. Collection method: clinical testing. Allele origin: germline. Observed: 1 variant allele.
Comment: BP4

Ambry Genetics
Classification: Uncertain significance for Inborn genetic diseases. Last evaluated: 2024-11-20. Review status: criteria provided, single submitter. Criteria: Ambry Variant Classification Scheme 2023. Collection method: clinical testing. Allele origin: germline.